The following is an entry in ClinVar:

NM_153704.6(TMEM67):c.1575+53G>A

Gene: TMEM67 (transmembrane protein 67; plus strand). Cytogenetic location: 8q22.1.
Variant type: single nucleotide variant.
Coding change: c.1575+53G>A on transcript NM_153704.6 (MANE Select); 53 bases into the intron after coding-DNA position 1575, G replaced by A.
Molecular consequence: intron variant.
Genome position (GRCh38, 1-based): chr8:93,791,372, G>A. VCF-style: chr8-93791372-G-A. GRCh37 (hg19) VCF-style: chr8-94803600-G-A.
Other names: c.1332+53G>A (NM_001142301.1).
Identifiers: ClinVar variation 675165 (VCV000675165.2), dbSNP rs73694955, ClinGen allele CA181338059.

ClinVar aggregate classification (germline): Benign. Review status: criteria provided, multiple submitters, no conflicts (2 of 4 stars). 2 submissions from 2 submitters: Benign (2). Last evaluated 2018-06-16.

Allele frequency attached by ClinVar (database versions not stated): gnomAD exomes 0.00534; gnomAD 0.05191 and 0.05555; 1000 Genomes Project 0.05891; TOPMed 0.05947; 1000 Genomes Project 30x 0.05996.
gnomAD v4.1: 14,338 of 1,281,198 alleles (1.1%); highest among the groups gnomAD compares: African/African-American, 18%; 1,136 homozygotes.

Submissions (2):

GeneDx
Classification: Benign. Last evaluated: 2018-06-16. Review status: criteria provided, single submitter. Criteria: GeneDx Variant Classification (06012015). Collection method: clinical testing. Allele origin: germline. Affected: yes.
Comment: This variant is considered likely benign or benign based on one or more of the following criteria: it is a conservative change, it occurs at a poorly conserved position in the protein, it is predicted to be benign by multiple in silico algorithms, and/or has population frequency not consistent with disease.

Breakthrough Genomics
Classification: Benign. Review status: criteria provided, single submitter. Criteria: ACMG Guidelines, 2015. Collection method: not provided. Allele origin: germline. Inheritance: Autosomal recessive inheritance. Affected: yes.